The following is an entry in ClinVar:

NM_005676.5(RBM10):c.-149T>C

Genes: NDUFB11 (NADH:ubiquinone oxidoreductase subunit B11; minus strand), RBM10 (RNA binding motif protein 10; plus strand), LOC130068208 (ATAC-STARR-seq lymphoblastoid active region 29582; plus strand). Cytogenetic location: Xp11.3.
Variant type: single nucleotide variant.
Coding change: c.-149T>C on transcript NM_005676.5 (MANE Select); 149 bases upstream of the start codon, T replaced by C.
Molecular consequence: 5 prime UTR variant. On other transcripts: missense variant (4).
Genome position (GRCh38, 1-based): chrX:47,145,462, T>C. VCF-style: chrX-47145462-T-C. GRCh37 (hg19) VCF-style: chrX-47004861-T-C.
Other names: c.-783A>G (NM_019056.7); c.-149T>C (NM_001204466.2, NM_001204467.2, NM_152856.3); c.16T>C, p.Ser6Pro (NM_001204468.2, NM_001440861.1, NM_001440862.1 and 1 more transcripts); short protein forms S6P.
Identifiers: ClinVar variation 1296132 (VCV001296132.7), dbSNP rs5952419, ClinGen allele CA10395007.

ClinVar aggregate classification (germline): Benign. Review status: criteria provided, multiple submitters, no conflicts (2 of 4 stars). 3 submissions from 3 submitters: Benign (2). 1 of the submissions does not count toward it. Last evaluated 2018-07-10.

Conditions:
RBM10-related disorder. Also called: RBM10-related condition.

Allele frequency attached by ClinVar (database versions not stated): ExAC 0.01738; gnomAD exomes 0.00820 and 0.01814; gnomAD 0.08275 and 0.08788; 1000 Genomes Project 30x 0.10156; TOPMed 0.09500; 1000 Genomes Project 0.09960.
gnomAD v4.1: 18,141 of 1,150,321 alleles (1.6%); highest among the groups gnomAD compares: African/African-American, 29%; 1,800 homozygotes.

Submissions (3):

GeneDx
Classification: Benign. Last evaluated: 2018-07-10. Review status: criteria provided, single submitter. Criteria: GeneDx Variant Classification Process June 2021. Collection method: clinical testing. Allele origin: germline. Affected: yes.

Breakthrough Genomics
Classification: Benign. Review status: criteria provided, single submitter. Criteria: ACMG Guidelines, 2015. Collection method: not provided. Allele origin: germline. Inheritance: X-linked inheritance. Affected: yes.

PreventionGenetics, part of Exact Sciences
Classification: Benign for RBM10-related condition. Last evaluated: 2019-06-11. Review status: no assertion criteria provided. Collection method: clinical testing. Allele origin: germline. Not counted in ClinVar's aggregate classification.
Comment: This variant is classified as benign based on ACMG/AMP sequence variant interpretation guidelines (Richards et al. 2015 PMID: 25741868, with internal and published modifications).